The following is an entry in ClinVar:

ClinVar aggregate classification (germline): Likely pathogenic (1 of 4 stars; one submission).

Conditions:
Hyperammonemia, type III (NAGSD). Also called: Hyperammonemia due to N-acetylglutamate synthase deficiency. Identifiers: Orphanet 927, MedGen C0268543, MONDO:0009377, OMIM 237310.

gnomAD v4.1: 7 of 1,614,258 alleles (0.00043%); highest among the groups gnomAD compares: Non-Finnish European, 0.00059%; no homozygotes.

Submission:

Natera, Inc.
Classification: Likely pathogenic for Hyperammonemia type III. Last evaluated: 2025-11-25. Review status: criteria provided, single submitter. Criteria: Natera Variant Classification Schema (03/2026). Collection method: clinical testing. Allele origin: germline.
Comment: The c.1493G>A variant in NAGS is a nonsense variant predicted to introduce a stop codon at amino acid 498. This variant is expected to result in nonsense mediated decay, truncation, or a dysfunctional protein product. This variant is rare in the general population with a frequency below the threshold expected for the associated phenotype(s). Functional studies show that this variant may disrupt protein function (PMID: 38740568). Given the available evidence, this variant is classified as Likely Pathogenic.

Literature cited by the submitters: PubMed 38740568.

NM_153006.3(NAGS):c.1493G>A (p.Trp498Ter)

Gene: NAGS (N-acetylglutamate synthase; plus strand). Cytogenetic location: 17q21.31.
Variant type: single nucleotide variant.
Coding change: c.1493G>A on transcript NM_153006.3 (MANE Select); coding-DNA position 1493, G replaced by A.
Protein change: p.Trp498Ter; replaces tryptophan 498 with a stop codon.
Molecular consequence: nonsense.
Genome position (GRCh38, 1-based): chr17:44,008,489, G>A. VCF-style: chr17-44008489-G-A. GRCh37 (hg19) VCF-style: chr17-42085857-G-A.
Other names: short protein forms W498*.
Identifiers: ClinVar variation 4816901 (VCV004816901.1).